The following is an entry in ClinVar:

NM_006204.4(PDE6C):c.1269+1G>A

Gene: PDE6C (phosphodiesterase 6C; plus strand). Cytogenetic location: 10q23.33.
Variant type: single nucleotide variant.
Coding change: c.1269+1G>A on transcript NM_006204.4 (MANE Select); the canonical splice donor site of the intron after coding-DNA position 1269, G replaced by A.
Molecular consequence: splice donor variant.
Genome position (GRCh38, 1-based): chr10:93,634,908, G>A. VCF-style: chr10-93634908-G-A. GRCh37 (hg19) VCF-style: chr10-95394665-G-A.
Identifiers: ClinVar variation 487689 (VCV000487689.11), dbSNP rs1554889905, ClinGen allele CA377614592.
Genomic context (GRCh38, chr10:93,634,908, plus strand): 5'-ACATTTTACAACAGGAAGGATGGAAAACCTTTCGATGAGCATGATGAATACATTACCGAG[G>A]CAAGTGCAATAATAAGATAATGGAAGTCAATGCAATTCACAAAATAAGAGAGGGCACGTA-3'

ClinVar aggregate classification (germline): Pathogenic/Likely pathogenic. Review status: criteria provided, multiple submitters, no conflicts (2 of 4 stars). 2 submissions from 2 submitters: Pathogenic (1); Likely pathogenic (1). Last evaluated 2019-12-13.

Conditions:
Achromatopsia. Also called: Rod monochromatism. Identifiers: Orphanet 49382, MedGen C0152200, MONDO:0018852, HP:0011516.

Submissions (2):

Labcorp Genetics (formerly Invitae), Labcorp
Classification: Likely pathogenic. Last evaluated: 2019-12-13. Review status: criteria provided, single submitter. Criteria: Invitae Variant Classification Sherloc (09022015). Collection method: clinical testing. Allele origin: germline.
Comment: In summary, the currently available evidence indicates that the variant is pathogenic, but additional data are needed to prove that conclusively. Therefore, this variant has been classified as Likely Pathogenic. Donor and acceptor splice site variants typically lead to a loss of protein function (PMID: 16199547), and loss-of-function variants in PDE6C are known to be pathogenic (PMID: 19887631, 23776498, 26103963, 30080950). Algorithms developed to predict the effect of sequence changes on RNA splicing suggest that this variant may disrupt the consensus splice site, but this prediction has not been confirmed by published transcriptional studies. This variant has been observed in individual(s) with achromatopsia (PMID: 30080950). ClinVar contains an entry for this variant (Variation ID: 487689). This variant is not present in population databases (ExAC no frequency). This sequence change affects a donor splice site in intron 9 of the PDE6C gene. It is expected to disrupt RNA splicing and likely results in an absent or disrupted protein product.

Molecular Genetics Laboratory, Institute for Ophthalmic Research
Classification: Pathogenic for Achromatopsia. Last evaluated: 2017-12-01. Review status: criteria provided, single submitter. Criteria: ACMG Guidelines, 2015. Collection method: research. Allele origin: germline. Affected: yes.

Literature cited by the submitters: PubMed 16199547 (cited by Labcorp Genetics (formerly Invitae), Labcorp); PubMed 19887631 (cited by Labcorp Genetics (formerly Invitae), Labcorp); PubMed 23776498 (cited by Labcorp Genetics (formerly Invitae), Labcorp); PubMed 26103963 (cited by Labcorp Genetics (formerly Invitae), Labcorp); PubMed 30080950 (cited by Labcorp Genetics (formerly Invitae), Labcorp).